The following is an entry in ClinVar:

ClinVar aggregate classification (germline): Uncertain significance (1 of 4 stars; one submission).

Conditions:
Arrhythmogenic cardiomyopathy with wooly hair and keratoderma. Also called: Arrhythmogenic cardiomyopathy with woolly hair and keratoderma; PALMOPLANTAR KERATODERMA WITH LEFT VENTRICULAR CARDIOMYOPATHY AND WOOLLY HAIR; Carvajal syndrome; Dilated cardiomyopathy with woolly hair and keratoderma. Identifiers: Orphanet 65282, MedGen C1854063, MONDO:0011581, OMIM 605676.
Arrhythmogenic right ventricular dysplasia 8 (ARVD8). Also called: Arrhythmogenic Right Ventricular Dysplasia/Cardiomyopathy 8; ARRHYTHMOGENIC RIGHT VENTRICULAR DYSPLASIA, FAMILIAL, 8; ARRHYTHMOGENIC RIGHT VENTRICULAR CARDIOMYOPATHY 8. Identifiers: MedGen C1843896, MONDO:0011831, OMIM 607450.

Submission:

Labcorp Genetics (formerly Invitae), Labcorp
Classification: Uncertain significance for Arrhythmogenic cardiomyopathy with wooly hair and keratoderma; Arrhythmogenic right ventricular dysplasia 8. Last evaluated: 2024-04-19. Review status: criteria provided, single submitter. Criteria: Invitae Variant Classification Sherloc (09022015). Collection method: clinical testing. Allele origin: germline.
Comment: This sequence change replaces lysine, which is basic and polar, with asparagine, which is neutral and polar, at codon 916 of the DSP protein (p.Lys916Asn). This variant is not present in population databases (gnomAD no frequency). This variant has not been reported in the literature in individuals affected with DSP-related conditions. An algorithm developed to predict the effect of missense changes on protein structure and function (PolyPhen-2) suggests that this variant is likely to be disruptive. In summary, the available evidence is currently insufficient to determine the role of this variant in disease. Therefore, it has been classified as a Variant of Uncertain Significance.

NM_004415.4(DSP):c.2748A>T (p.Lys916Asn)

Gene: DSP (desmoplakin; plus strand). Cytogenetic location: 6p24.3.
Variant type: single nucleotide variant.
Coding change: c.2748A>T on transcript NM_004415.4 (MANE Select); coding-DNA position 2748, A replaced by T.
Protein change: p.Lys916Asn; replaces lysine 916 with asparagine.
Molecular consequence: missense variant.
Genome position (GRCh38, 1-based): chr6:7,576,411, A>T. VCF-style: chr6-7576411-A-T. GRCh37 (hg19) VCF-style: chr6-7576644-A-T.
Other names: c.2748A>T, p.Lys916Asn (NM_001008844.3, NM_001319034.2); short protein forms K916N.
Identifiers: ClinVar variation 3760922 (VCV003760922.2).